The following is an entry in ClinVar:

NM_014849.5(SV2A):c.1978G>A (p.Gly660Arg)

Gene: SV2A (synaptic vesicle glycoprotein 2A; minus strand). Cytogenetic location: 1q21.2.
Variant type: single nucleotide variant.
Coding change: c.1978G>A on transcript NM_014849.5 (MANE Select); coding-DNA position 1978, G replaced by A.
Protein change: p.Gly660Arg; replaces glycine 660 with arginine.
Molecular consequence: missense variant.
Genome position (GRCh38, 1-based): chr1:149,905,947, C>T on the plus strand (G>A on the coding strand, the complement: SV2A is on the minus strand). VCF-style: chr1-149905947-C-T. GRCh37 (hg19) VCF-style: chr1-149877499-C-T.
Other names: c.334G>A, p.Gly112Arg (NM_001278719.2); c.1978G>A, p.Gly660Arg (NM_001328674.2, NM_001328675.2); short protein forms G660R, G112R.
Identifiers: ClinVar variation 3323708 (VCV003323708.1).

ClinVar aggregate classification (germline): Uncertain significance (1 of 4 stars; one submission).

gnomAD v4.1: 2 of 1,614,136 alleles (0.00012%); highest among the groups gnomAD compares: Admixed American, 0.0017%; no homozygotes.

Submission:

Ambry Genetics
Classification: Uncertain significance. Last evaluated: 2024-06-03. Review status: criteria provided, single submitter. Criteria: Ambry Variant Classification Scheme 2023. Collection method: clinical testing. Allele origin: germline.
Comment: The c.1978G>A (p.G660R) alteration is located in exon 12 (coding exon 11) of the SV2A gene. This alteration results from a G to A substitution at nucleotide position 1978, causing the glycine (G) at amino acid position 660 to be replaced by an arginine (R). Based on data from gnomAD, the A allele has an overall frequency of <0.001% (1/251288) total alleles studied. The highest observed frequency was 0.003% (1/34586) of Latino alleles. This variant was reported de novo in one individual and heterozygous in an unrelated family with seizures and cafe au lait spots (Calame, 2021; Badura-Stronka, 2023). This amino acid position is highly conserved in available vertebrate species. This alteration is predicted to be deleterious by in silico analysis. Based on insufficient or conflicting evidence, the clinical significance of this alteration remains unclear.

Literature cited by the submitters: PubMed 33554103; PubMed 36758444.